The following is an entry in ClinVar:

NM_031471.6(FERMT3):c.113G>C (p.Gly38Ala)

Gene: FERMT3 (FERM domain containing kindlin 3; plus strand). Cytogenetic location: 11q13.1.
Variant type: single nucleotide variant.
Coding change: c.113G>C on transcript NM_031471.6 (MANE Select); coding-DNA position 113, G replaced by C.
Protein change: p.Gly38Ala; replaces glycine 38 with alanine.
Molecular consequence: missense variant.
Genome position (GRCh38, 1-based): chr11:64,207,477, G>C. VCF-style: chr11-64207477-G-C. GRCh37 (hg19) VCF-style: chr11-63974949-G-C.
Other names: c.113G>C, p.Gly38Ala (NM_001382361.1, NM_001382362.1, NM_001382448.1 and 1 more transcripts); short protein forms G38A.
Identifiers: ClinVar variation 1522399 (VCV001522399.8), dbSNP rs2134828211, ClinGen allele CA381079675.

ClinVar aggregate classification (germline): Uncertain significance (1 of 4 stars; one submission).

Conditions:
Leukocyte adhesion deficiency 3. Also called: INTEGRIN ACTIVATION DEFICIENCY DISEASE; LEUKOCYTE ADHESION DEFICIENCY 1 VARIANT; Leukocyte adhesion deficiency, type III. Identifiers: Orphanet 2968, Orphanet 99844, MedGen C2748536, MONDO:0013016, OMIM 612840.

Submission:

Labcorp Genetics (formerly Invitae), Labcorp
Classification: Uncertain significance for Leukocyte adhesion deficiency 3. Last evaluated: 2025-01-20. Review status: criteria provided, single submitter. Criteria: Invitae Variant Classification Sherloc (09022015). Collection method: clinical testing. Allele origin: germline.
Comment: This sequence change replaces glycine, which is neutral and non-polar, with alanine, which is neutral and non-polar, at codon 38 of the FERMT3 protein (p.Gly38Ala). This variant is not present in population databases (gnomAD no frequency). This variant has not been reported in the literature in individuals affected with FERMT3-related conditions. ClinVar contains an entry for this variant (Variation ID: 1522399). Invitae Evidence Modeling of protein sequence and biophysical properties (such as structural, functional, and spatial information, amino acid conservation, physicochemical variation, residue mobility, and thermodynamic stability) indicates that this missense variant is expected to disrupt FERMT3 protein function with a positive predictive value of 80%. In summary, the available evidence is currently insufficient to determine the role of this variant in disease. Therefore, it has been classified as a Variant of Uncertain Significance.